The following is an entry in ClinVar:

ClinVar aggregate classification (germline): Benign. Review status: criteria provided, multiple submitters, no conflicts (2 of 4 stars). 2 submissions from 2 submitters: Benign (2). Last evaluated 2018-01-13.

Conditions:
Hypercholanemia, familial 1 (FHCA1). Identifiers: Orphanet 238475, MedGen C5542604, MONDO:0031446, OMIM 607748.

Allele frequency attached by ClinVar (database versions not stated): 1000 Genomes Project 30x 0.73142; 1000 Genomes Project 0.73143; TOPMed 0.79352; gnomAD 0.79938 and 0.80525; gnomAD exomes 0.85681.

Submissions (2):

Illumina Laboratory Services, Illumina
Classification: Benign for Hypercholanemia, familial 1. Last evaluated: 2018-01-13. Review status: criteria provided, single submitter. Criteria: ICSL Variant Classification Criteria 13 December 2019. Collection method: clinical testing. Allele origin: germline.
Comment: This variant was observed in the ICSL laboratory as part of a predisposition screen in an ostensibly healthy population. It had not been previously curated by ICSL or reported in the Human Gene Mutation Database (HGMD: prior to June 1st, 2018), and was therefore a candidate for classification through an automated scoring system. Utilizing variant allele frequency, disease prevalence and penetrance estimates, and inheritance mode, an automated score was calculated to assess if this variant is too frequent to cause the disease. Based on the score and internal cut-off values, a variant classified as benign is not then subjected to further curation. The score for this variant resulted in a classification of benign for this disease.

Breakthrough Genomics
Classification: Benign. Review status: criteria provided, single submitter. Criteria: ACMG Guidelines, 2015. Collection method: not provided. Allele origin: germline. Inheritance: Autosomal recessive inheritance. Affected: yes.

NM_001701.4(BAAT):c.*948C>A

Gene: BAAT (bile acid-CoA:amino acid N-acyltransferase; minus strand). Cytogenetic location: 9q31.1.
Variant type: single nucleotide variant.
Coding change: c.*948C>A on transcript NM_001701.4 (MANE Select); 948 bases downstream of the stop codon, C replaced by A.
Molecular consequence: 3 prime UTR variant.
Genome position (GRCh38, 1-based): chr9:101,361,480, G>T on the plus strand (C>A on the coding strand, the complement: BAAT is on the minus strand). VCF-style: chr9-101361480-G-T. GRCh37 (hg19) VCF-style: chr9-104123762-G-T.
Other names: c.*948C>A (NM_001127610.2, NM_001374715.1).
Identifiers: ClinVar variation 364267 (VCV000364267.6), dbSNP rs7043029, ClinGen allele CA10628593.